The following is an entry in ClinVar:

ClinVar aggregate classification (germline): Likely pathogenic (1 of 4 stars; one submission).

Submission:

Labcorp Genetics (formerly Invitae), Labcorp
Classification: Likely pathogenic. Last evaluated: 2022-02-25. Review status: criteria provided, single submitter. Criteria: Invitae Variant Classification Sherloc (09022015). Collection method: clinical testing. Allele origin: germline.
Comment: This variant has not been reported in the literature in individuals affected with LAMB3-related conditions. This variant results in a copy number gain of the genomic region encompassing exon(s) 4-10 of the LAMB3 gene. While the exact position of this variant cannot be determined from the data, sub-genic copy number gains are generally in tandem (PMID: 25640679). This variant is predicted to be out-of-frame, and may result in an absent or disrupted protein product. Loss-of-function variants in LAMB3 are known to be pathogenic (PMID: 11023379, 16473856). In summary, the currently available evidence indicates that the variant is pathogenic, but additional data are needed to prove that conclusively. Therefore, this variant has been classified as Likely Pathogenic.

Literature cited by the submitters: PubMed 25640679; PubMed 11023379; PubMed 16473856.

NC_000001.10:g.(?_209803072)_(209812003_?)dup

Gene: LAMB3 (laminin subunit beta 3; minus strand). Cytogenetic location: 1q32.2.
Variant type: Duplication.
Identifiers: ClinVar variation 2422611 (VCV002422611.4).